The following is an entry in ClinVar:

NM_007294.4(BRCA1):c.5219_5224del (p.Val1740_Asn1742delinsAsp)

Gene: BRCA1 (BRCA1 DNA repair associated; minus strand). Cytogenetic location: 17q21.31.
Variant type: Deletion.
Coding change: c.5219_5224del on transcript NM_007294.4 (MANE Select); coding-DNA positions 5219 to 5224, 6 bases deleted (TGGTCA; older notation c.5219_5224delTGGTCA).
Protein change: p.Val1740_Asn1742delinsAsp.
Molecular consequence: inframe indel. On other transcripts: non-coding transcript variant (1).
Genome position (GRCh38, 1-based): chr17:43,057,105-43,057,110, TGACCA deleted on the plus strand (TGGTCA on the coding strand, the reverse complement: BRCA1 is on the minus strand). VCF-style (leftmost placement, unchanged base first): chr17-43057104-TTGACCA-T. GRCh37 (hg19) VCF-style: chr17-41209121-TTGACCA-T.
Other names: c.1709_1714delTGGTCA, p.Val570_Asn572delinsAsp (NM_001408474.1); c.1706_1711delTGGTCA, p.Val569_Asn571delinsAsp (NM_001408475.1, NM_001408476.1); c.1700_1705delTGGTCA, p.Val567_Asn569delinsAsp (NM_001408478.1, NM_001408479.1, NM_001408480.1); c.1697_1702delTGGTCA, p.Val566_Asn568delinsAsp (NM_001408481.1, NM_001408482.1, NM_001408483.1 and 5 more transcripts); c.1694_1699delTGGTCA, p.Val565_Asn567delinsAsp (NM_001408492.1, NM_001408493.1); c.1670_1675delTGGTCA, p.Val557_Asn559delinsAsp (NM_001408494.1); c.1664_1669delTGGTCA, p.Val555_Asn557delinsAsp (NM_001408495.1); c.1646_1651delTGGTCA, p.Val549_Asn551delinsAsp (NM_001408496.1, NM_001408497.1, NM_001408498.1 and 3 more transcripts); and 75 more.
Identifiers: ClinVar variation 479219 (VCV000479219.7), dbSNP rs1555576941, ClinGen allele CA658656664.
Genomic context (GRCh38, chr17:43,057,104, plus strand): 5'-AGCTTTACCTTTCTGTCCTGGGATTCTCTTGCTCGCTTTGGACCTTGGTGGTTTCTTCCA[TTGACCA>T]CATCTCCTCTGACTTCAAAATCATGCTGAAAGAAACCAAACACAACCCATCAGGATAAGA-3'

ClinVar aggregate classification (germline): Conflicting classifications of pathogenicity. Review status: criteria provided, conflicting classifications (1 of 4 stars). 2 submissions from 2 submitters: Likely pathogenic (1); Uncertain significance (1). Last evaluated 2023-08-08.

Conditions:
Hereditary cancer-predisposing syndrome. Also called: Tumor predisposition; Hereditary Cancer Syndrome; Hereditary neoplastic syndrome; Neoplastic Syndromes, Hereditary. Identifiers: Orphanet 140162, MedGen C0027672, MeSH D009386, MONDO:0015356.
Breast-ovarian cancer, familial, susceptibility to, 1 (BROVCA1). Also called: BRCA1 Hereditary Breast and Ovarian Cancer; OVARIAN CANCER, SUSCEPTIBILITY TO. Identifiers: Orphanet 145, MedGen C2676676, MONDO:0011450, OMIM 604370. Disease mechanism: loss of function.

Submissions (2):

Myriad Genetics, Inc.
Classification: Likely pathogenic for Breast-ovarian cancer, familial, susceptibility to, 1. Last evaluated: 2023-08-08. Review status: criteria provided, single submitter. Criteria: Myriad Autosomal Dominant, Autosomal Recessive and X-Linked Classification Criteria (2023). Collection method: clinical testing. Allele origin: unknown.
Comment: This variant is considered likely pathogenic. Functional studies indicate this variant impacts protein function [PMID: 36171434]. This variant is expected to disrupt protein structure [Myriad internal data].

Ambry Genetics
Classification: Uncertain significance for Hereditary cancer-predisposing syndrome. Last evaluated: 2016-07-05. Review status: criteria provided, single submitter. Criteria: Ambry Variant Classification Scheme 2023. Collection method: clinical testing. Allele origin: germline.
Comment: The c.5219_5224delTGGTCA variant (also known as p.V1740_N1742delinsD) is located in coding exon 18 of the BRCA1 gene. This variant results from an in-frame TGGTCA deletion at nucleotide positions 5219 to 5224. This results in the deletion of three residues and insertion of an aspartic acid residue between codons 1740 and 1742. This variant was not reported in population based cohorts in the following databases: Database of Single Nucleotide Polymorphisms (dbSNP), NHLBI Exome Sequencing Project (ESP), and 1000 Genomes Project. In the ESP, this variant was not observed in 6503 samples (13006 alleles) with coverage at this position. To date, this alteration has been detected with an allele frequency of approximately 0.0003% (greater than 300000 alleles tested) in our clinical cohort. Since supporting evidence is limited at this time, the clinical significance of this alteration remains unclear.

Literature cited by the submitters: PubMed 36171434 (cited by Myriad Genetics, Inc.).